The following is an entry in ClinVar:

NM_021096.4(CACNA1I):c.5203G>A (p.Asp1735Asn)

Gene: CACNA1I (calcium voltage-gated channel subunit alpha1 I; plus strand). Cytogenetic location: 22q13.1.
Variant type: single nucleotide variant.
Coding change: c.5203G>A on transcript NM_021096.4 (MANE Select); coding-DNA position 5203, G replaced by A.
Protein change: p.Asp1735Asn; replaces aspartic acid 1735 with asparagine.
Molecular consequence: missense variant.
Genome position (GRCh38, 1-based): chr22:39,679,254, G>A. VCF-style: chr22-39679254-G-A. GRCh37 (hg19) VCF-style: chr22-40075259-G-A.
Other names: c.5098G>A, p.Asp1700Asn (NM_001003406.2); short protein forms D1700N, D1735N.
Identifiers: ClinVar variation 4057065 (VCV004057065.2).

ClinVar aggregate classification (germline): Uncertain significance (1 of 4 stars; one submission).

gnomAD v4.1: 3 of 1,590,136 alleles (0.00019%); highest among the groups gnomAD compares: South Asian, 0.0012%; no homozygotes.

Submission:

GeneDx
Classification: Uncertain significance. Last evaluated: 2025-11-24. Review status: criteria provided, single submitter. Criteria: GeneDx Variant Classification Process June 2021. Collection method: clinical testing. Allele origin: germline.
Comment: Not observed at significant frequency in large population cohorts (gnomAD); In silico analysis supports that this missense variant has a deleterious effect on protein structure/function; Has not been previously published as pathogenic or benign to our knowledge